The following is an entry in ClinVar:

ClinVar aggregate classification (germline): Uncertain significance (1 of 4 stars; one submission).

Submission:

GeneDx
Classification: Uncertain significance. Last evaluated: 2024-11-01. Review status: criteria provided, single submitter. Criteria: GeneDx Variant Classification Process June 2021. Collection method: clinical testing. Allele origin: germline. Affected: yes.
Comment: Not observed at significant frequency in large population cohorts (gnomAD); In silico analysis indicates that this missense variant does not alter protein structure/function; Has not been previously published as pathogenic or benign to our knowledge

NM_001008537.3(NEXMIF):c.3484C>G (p.Pro1162Ala)

Gene: NEXMIF (neurite extension and migration factor; minus strand). Cytogenetic location: Xq13.3.
Variant type: single nucleotide variant.
Coding change: c.3484C>G on transcript NM_001008537.3 (MANE Select); coding-DNA position 3484, C replaced by G.
Protein change: p.Pro1162Ala; replaces proline 1162 with alanine.
Molecular consequence: missense variant.
Genome position (GRCh38, 1-based): chrX:74,741,073, G>C on the plus strand (C>G on the coding strand, the complement: NEXMIF is on the minus strand). VCF-style: chrX-74741073-G-C. GRCh37 (hg19) VCF-style: chrX-73960908-G-C.
Other names: short protein forms P1162A.
Identifiers: ClinVar variation 3897085 (VCV003897085.1).